The following is an entry in ClinVar:

ClinVar aggregate classification (germline): Uncertain significance (1 of 4 stars; one submission).

Conditions:
Baller-Gerold syndrome (BGS). Also called: CRANIOSYNOSTOSIS WITH RADIAL DEFECTS. Identifiers: Orphanet 1225, MedGen C0265308, MONDO:0009039, OMIM 218600.

Allele frequency attached by ClinVar (database versions not stated): gnomAD exomes below 0.00001 and 0.00001; ExAC 0.00001; gnomAD 0.00001; TOPMed 0.00004.
gnomAD v4.1: 10 of 1,612,548 alleles (0.00062%); highest among the groups gnomAD compares: Non-Finnish European, 0.00076%; no homozygotes.

Submission:

Labcorp Genetics (formerly Invitae), Labcorp
Classification: Uncertain significance for Baller-Gerold syndrome. Last evaluated: 2024-10-16. Review status: criteria provided, single submitter. Criteria: Invitae Variant Classification Sherloc (09022015). Collection method: clinical testing. Allele origin: germline.
Comment: This sequence change replaces serine, which is neutral and polar, with leucine, which is neutral and non-polar, at codon 459 of the RECQL4 protein (p.Ser459Leu). This variant is present in population databases (rs774240479, gnomAD 0.0009%). This variant has not been reported in the literature in individuals affected with RECQL4-related conditions. ClinVar contains an entry for this variant (Variation ID: 406993). Invitae Evidence Modeling of protein sequence and biophysical properties (such as structural, functional, and spatial information, amino acid conservation, physicochemical variation, residue mobility, and thermodynamic stability) indicates that this missense variant is not expected to disrupt RECQL4 protein function with a negative predictive value of 80%. In summary, the available evidence is currently insufficient to determine the role of this variant in disease. Therefore, it has been classified as a Variant of Uncertain Significance.

NM_004260.4(RECQL4):c.1376C>T (p.Ser459Leu)

Gene: RECQL4 (RecQ like helicase 4; minus strand). Cytogenetic location: 8q24.3.
Variant type: single nucleotide variant.
Coding change: c.1376C>T on transcript NM_004260.4 (MANE Select); coding-DNA position 1376, C replaced by T.
Protein change: p.Ser459Leu; replaces serine 459 with leucine.
Molecular consequence: missense variant.
Genome position (GRCh38, 1-based): chr8:144,515,340, G>A on the plus strand (C>T on the coding strand, the complement: RECQL4 is on the minus strand). VCF-style: chr8-144515340-G-A. GRCh37 (hg19) VCF-style: chr8-145740724-G-A.
Other names: short protein forms S459L.
Identifiers: ClinVar variation 406993 (VCV000406993.7), dbSNP rs774240479, ClinGen allele CA4948901.